The following is an entry in ClinVar:

NM_001384140.1(PCDH15):c.5052G>A (p.Ala1684=)

Gene: PCDH15 (protocadherin related 15; minus strand). Cytogenetic location: 10q21.1.
Variant type: single nucleotide variant.
Coding change: c.5052G>A on transcript NM_001384140.1 (MANE Select); coding-DNA position 5052, G replaced by A.
Protein change: p.Ala1684=; no amino-acid change (alanine 1684 retained).
Molecular consequence: synonymous variant.
Genome position (GRCh38, 1-based): chr10:53,806,750, C>T on the plus strand (G>A on the coding strand, the complement: PCDH15 is on the minus strand). VCF-style: chr10-53806750-C-T. GRCh37 (hg19) VCF-style: chr10-55566510-C-T.
Other names: c.4878G>A, p.Ala1626= (NM_001142771.2); c.4863G>A, p.Ala1621= (NM_001142772.2); c.4857G>A, p.Ala1619= (NM_001354420.2); c.4986G>A, p.Ala1662= (NM_001354429.2).
Identifiers: ClinVar variation 3058320 (VCV003058320.3), dbSNP rs572313030, ClinGen allele CA5504530.

ClinVar aggregate classification (germline): Likely benign. Review status: criteria provided, single submitter (1 of 4 stars). 2 submissions from 2 submitters: Likely benign (1). 1 of the submissions does not count toward it. Last evaluated 2023-04-26.

Conditions:
PCDH15-related disorder. Also called: PCDH15-related condition; PCDH15-related disorders.

Allele frequency attached by ClinVar (database versions not stated): gnomAD 0.00005; TOPMed 0.00005; gnomAD exomes 0.00007; ExAC 0.00009; 1000 Genomes Project 30x 0.00016; 1000 Genomes Project 0.00020.
gnomAD v4.1: 108 of 1,613,728 alleles (0.0067%); highest among the groups gnomAD compares: South Asian, 0.057%; no homozygotes.

Submissions (2):

Blueprint Genetics
Classification: Likely benign. Last evaluated: 2023-04-26. Review status: criteria provided, single submitter. Criteria: ACMG Guidelines, 2015. Collection method: clinical testing. Allele origin: germline.

PreventionGenetics, part of Exact Sciences
Classification: Likely benign for PCDH15-related condition. Last evaluated: 2024-01-24. Review status: no assertion criteria provided. Collection method: clinical testing. Allele origin: germline. Not counted in ClinVar's aggregate classification.
Comment: This variant is classified as likely benign based on ACMG/AMP sequence variant interpretation guidelines (Richards et al. 2015 PMID: 25741868, with internal and published modifications).